The following is an entry in ClinVar:

NM_002294.3(LAMP2):c.763_768delinsTGAAGT (p.Asn255_Pro256delinsTer)

Gene: LAMP2 (lysosome associated membrane protein 2; minus strand). Cytogenetic location: Xq24.
Variant type: Indel.
Coding change: c.763_768delinsTGAAGT on transcript NM_002294.3 (MANE Select); coding-DNA positions 763 to 768, AACCCC replaced by TGAAGT.
Protein change: p.Asn255_Pro256delinsTer.
Molecular consequence: nonsense.
Genome position (GRCh38, 1-based): chrX:120,446,401-120,446,406, GGGGTT replaced by ACTTCA on the plus strand (AACCCC replaced by TGAAGT on the coding strand, the reverse complement: LAMP2 is on the minus strand). VCF-style: chrX-120446401-GGGGTT-ACTTCA. GRCh37 (hg19) VCF-style: chrX-119580256-GGGGTT-ACTTCA.
Other names: c.763_768delinsTGAAGT, p.Asn255_Pro256delinsTer (NM_001122606.1, NM_013995.2).
Identifiers: ClinVar variation 970819 (VCV000970819.6), dbSNP rs2058596487, ClinGen allele CA1139667772.

ClinVar aggregate classification (germline): Pathogenic (1 of 4 stars; one submission).

Conditions:
Danon disease. Also called: Glycogen Storage Disease Type IIb; ANTOPOL DISEASE; PSEUDOGLYCOGENOSIS II; GSD IIb; LYSOSOMAL GLYCOGEN STORAGE DISEASE WITHOUT ACID MALTASE DEFICIENCY. Identifiers: Orphanet 34587, MedGen C0878677, MONDO:0010281, OMIM 300257.

Submission:

Labcorp Genetics (formerly Invitae), Labcorp
Classification: Pathogenic for Danon disease. Last evaluated: 2019-08-19. Review status: criteria provided, single submitter. Criteria: Invitae Variant Classification Sherloc (09022015). Collection method: clinical testing. Allele origin: germline.
Comment: For these reasons, this variant has been classified as Pathogenic. Loss-of-function variants in LAMP2 are known to be pathogenic (PMID: 21415759). This variant has not been reported in the literature in individuals with LAMP2-related conditions. This variant is not present in population databases (ExAC no frequency). This sequence change creates a premature translational stop signal (p.Asn255*) in the LAMP2 gene. It is expected to result in an absent or disrupted protein product.

Literature cited by the submitters: PubMed 21415759.